The following is an entry in ClinVar:

NM_000218.3(KCNQ1):c.592A>G (p.Ile198Val)

Gene: KCNQ1 (potassium voltage-gated channel subfamily Q member 1; plus strand). Cytogenetic location: 11p15.5.
Variant type: single nucleotide variant.
Coding change: c.592A>G on transcript NM_000218.3 (MANE Select); coding-DNA position 592, A replaced by G.
Protein change: p.Ile198Val; replaces isoleucine 198 with valine.
Molecular consequence: missense variant.
Genome position (GRCh38, 1-based): chr11:2,570,742, A>G. VCF-style: chr11-2570742-A-G. GRCh37 (hg19) VCF-style: chr11-2591972-A-G.
Other names: c.592A>G (LRG_287t1); c.592A>G, p.Ile198Val (NM_001406836.1); c.322A>G, p.Ile108Val (NM_001406837.1); c.211A>G, p.Ile71Val (NM_181798.2); short protein forms I198V, I71V, I108V.
Identifiers: ClinVar variation 67089 (VCV000067089.16), dbSNP rs199472700, ClinGen allele CA007677.

ClinVar aggregate classification (germline): Conflicting classifications of pathogenicity. Review status: criteria provided, conflicting classifications (1 of 4 stars). 8 submissions from 8 submitters: Likely pathogenic (1); Uncertain significance (6). 1 of the submissions does not count toward it. Last evaluated 2025-11-18.

Conditions:
KCNQ1-related disorder. Also called: KCNQ1-related condition; KCNQ1-related disorders. Identifiers: MedGen CN239322.
Cardiac arrhythmia. Also called: Arrhythmia; Cardiac rhythm disease. Identifiers: MedGen C0003811, MONDO:0007263, HP:0011675.
Familial long QT syndrome (RWS). Also called: Congenital long QT syndrome; Romano-Ward syndrome; VENTRICULAR FIBRILLATION WITH PROLONGED QT INTERVAL. Identifiers: Orphanet 768, MedGen C1141890, MONDO:0019171.
Long QT syndrome (LQTS). Identifiers: MedGen C0023976, MeSH D008133, MONDO:0002442. Disease mechanism: loss of function. Inheritance: Various modes of inheritance.

Allele frequency attached by ClinVar (database versions not stated): TOPMed below 0.00001; gnomAD 0.00001; gnomAD exomes 0.00001 and 0.00002; ExAC 0.00004.
gnomAD v4.1: 21 of 1,611,166 alleles (0.0013%); highest among the groups gnomAD compares: Non-Finnish European, 0.0015%; no homozygotes.

Submissions (8):

PreventionGenetics, part of Exact Sciences
Classification: Uncertain significance for KCNQ1-related condition. Last evaluated: 2025-11-18. Review status: criteria provided, single submitter. Criteria: ACMG Guidelines, 2015. Collection method: clinical testing. Allele origin: germline.
Comment: The KCNQ1 c.592A>G variant is predicted to result in the amino acid substitution p.Ile198Val. This variant has been reported in the heterozygous state in individuals with long QT syndrome or sudden enexplained death (see for example: Supplemental Table, Kapplinger et al. 2009. PubMed ID: 19716085; Christiansen et al. 2016. PubMed ID: 27650965; Pottinger et al. 2020. PubMed ID: 32009526). This variant is reported in 0.0044% of alleles in individuals of European (Non-Finnish) descent in gnomAD. Although we suspect that this variant may be pathogenic, at this time, the clinical significance of this variant is uncertain due to the absence of conclusive functional and genetic evidence.

Color Diagnostics, LLC DBA Color Health
Classification: Uncertain significance for Cardiac arrhythmia. Last evaluated: 2025-06-19. Review status: criteria provided, single submitter. Criteria: ACMG Guidelines, 2015. Collection method: clinical testing. Allele origin: germline.
Comment: This missense variant replaces isoleucine with valine at codon 198 of the KCNQ1 protein. This variant is found within a highly conserved region of the transmembrane domain S3. Rare nontruncating variants in this region have been shown to be significantly overrepresented in individuals with long QT syndrome (PMID: 32893267). Computational prediction suggests that this variant may have a deleterious impact on protein structure and function. To our knowledge, functional studies have not been reported for this variant. This variant has been reported in a few individuals affected with or suspected of having long QT syndrome (PMID: 19716085, 24606995, 32009526, 34319147), in an individual affected with atrioventricular nodal reentrant tachycardia (PMID: 29396561), in two individuals affected with sudden unexplained death (PMID: 22677073, 27650965), and in an individual affected with atrioventricular block of unknown cause who also carried a pathogenic variant in the GAA gene (PMID: 35470684). This variant has been identified in 5/249020 chromosomes in the general population by the Genome Aggregation Database (gnomAD). Although there is a suspicion that this variant may be associated with disease, additional studies are necessary to determine the role of this variant in disease conclusively. Therefore, this variant is classified as a Variant of Uncertain Significance

All of Us Research Program, National Institutes of Health
Classification: Uncertain significance for Long QT syndrome. Last evaluated: 2024-01-11. Review status: criteria provided, single submitter. Criteria: ACMG Guidelines, 2015. Collection method: clinical testing. Allele origin: germline. Inheritance: Autosomal dominant inheritance. Observed: 3 variant alleles, 3 heterozygotes.
Comment: This missense variant replaces isoleucine with valine at codon 198 of the KCNQ1 protein. This variant is found within a highly conserved region of the transmembrane domain S3. Rare nontruncating variants in this region have been shown to be significantly overrepresented in individuals with long QT syndrome (PMID: 32893267). Computational prediction suggests that this variant may have deleterious impact on protein structure and function (internally defined REVEL score threshold >= 0.7, PMID: 27666373). To our knowledge, functional studies have not been reported for this variant. This variant has been reported in a few individuals affected with or suspected of having long QT syndrome (PMID: 19716085, 24606995, 32009526, 34319147), in an individual affected with atrioventricular nodal reentrant tachycardia (PMID: 29396561), in two individuals affected with sudden unexplained death (PMID: 22677073, 27650965), and in an individual affected with atrioventricular block of unknown cause who also carried a pathogenic variant in the GAA gene (PMID: 35470684). This variant has been identified in 5/249020 chromosomes in the general population by the Genome Aggregation Database (gnomAD). Although there is a suspicion that this variant may be associated with disease, additional studies are necessary to determine the role of this variant in disease conclusively. Therefore, this variant is classified as a Variant of Uncertain Significance

This study involves interpretation of variants in research participants for the purpose of population health screening. Participant phenotype was not available at the time of variant classification. Additional details can be found in publication PMID: 35346344, PMCID: PMC8962531

Labcorp Genetics (formerly Invitae), Labcorp
Classification: Uncertain significance for Long QT syndrome. Last evaluated: 2022-05-21. Review status: criteria provided, single submitter. Criteria: Invitae Variant Classification Sherloc (09022015). Collection method: clinical testing. Allele origin: germline.
Comment: Algorithms developed to predict the effect of missense changes on protein structure and function (SIFT, PolyPhen-2, Align-GVGD) all suggest that this variant is likely to be disruptive. In summary, the available evidence is currently insufficient to determine the role of this variant in disease. Therefore, it has been classified as a Variant of Uncertain Significance. ClinVar contains an entry for this variant (Variation ID: 67089). This missense change has been observed in individual(s) with clinical features of KCNQ1-related conditions (PMID: 19716085, 24606995, 27650965, 34319147). This variant is present in population databases (rs199472700, gnomAD 0.004%). This sequence change replaces isoleucine, which is neutral and non-polar, with valine, which is neutral and non-polar, at codon 198 of the KCNQ1 protein (p.Ile198Val).

GeneDx
Classification: Uncertain significance. Last evaluated: 2021-02-05. Review status: criteria provided, single submitter. Criteria: GeneDx Variant Classification Process June 2021. Collection method: clinical testing. Allele origin: germline. Affected: yes.
Comment: Not observed at a significant frequency in large population cohorts (Lek et al., 2016); In silico analysis supports that this missense variant does not alter protein structure/function; This variant is associated with the following publications: (PMID: 19716085, 24606995, 22677073, 22581653, 27650965)

Revvity Omics, Revvity
Classification: Uncertain significance. Last evaluated: 2019-08-06. Review status: criteria provided, single submitter. Criteria: ACMG Guidelines, 2015. Collection method: clinical testing. Allele origin: germline.

Blueprint Genetics
Classification: Likely pathogenic for KCNQ1-related disorders. Last evaluated: 2017-09-26. Review status: criteria provided, single submitter. Criteria: ACMG Guidelines, 2015. Collection method: clinical testing. Allele origin: germline. Affected: yes. Observed: 2 variant alleles.

Cardiovascular Biomedical Research Unit, Royal Brompton & Harefield NHS Foundation Trust
No classification provided. Condition: Familial long QT syndrome. Review status: no classification provided. Collection method: literature only. Allele origin: germline. Not counted in ClinVar's aggregate classification.
Comment: This variant has been reported as associated with Long QT syndrome in the following publications (PMID:19716085). This is a literature report, and does not necessarily reflect the clinical interpretation of the Imperial College / Royal Brompton Cardiovascular Genetics laboratory.

Literature cited by the submitters: PubMed 19716085 (cited by 4 submitters); PubMed 22677073 (cited by Color Diagnostics, LLC DBA Color Health and All of Us Research Program, National Institutes of Health); PubMed 24606995 (cited by 3 submitters); PubMed 27650965 (cited by 3 submitters); PubMed 29396561 (cited by Color Diagnostics, LLC DBA Color Health and All of Us Research Program, National Institutes of Health); PubMed 32009526 (cited by Color Diagnostics, LLC DBA Color Health and All of Us Research Program, National Institutes of Health); PubMed 32893267 (cited by Color Diagnostics, LLC DBA Color Health and All of Us Research Program, National Institutes of Health); PubMed 34319147 (cited by 3 submitters); PubMed 35470684 (cited by Color Diagnostics, LLC DBA Color Health and All of Us Research Program, National Institutes of Health); PubMed 22581653 (cited by Cardiovascular Biomedical Research Unit, Royal Brompton & Harefield NHS Foundation Trust).